The following is an entry in ClinVar:

NM_001354712.2(THRB):c.625G>C (p.Gly209Arg)

Genes: THRB (thyroid hormone receptor beta; minus strand), LOC126806630 (CDK7 strongly-dependent group 2 enhancer GRCh37_chr3:24184437-24185636; plus strand). Cytogenetic location: 3p24.2.
Variant type: single nucleotide variant.
Coding change: c.625G>C on transcript NM_001354712.2 (MANE Select); coding-DNA position 625, G replaced by C.
Protein change: p.Gly209Arg; replaces glycine 209 with arginine.
Molecular consequence: missense variant.
Genome position (GRCh38, 1-based): chr3:24,143,614, C>G on the plus strand (G>C on the coding strand, the complement: THRB is on the minus strand). VCF-style: chr3-24143614-C-G. GRCh37 (hg19) VCF-style: chr3-24185105-C-G.
Other names: c.625G>C, p.Gly209Arg (NM_000461.5, NM_001128176.3, NM_001128177.2 and 12 more transcripts); c.532G>C, p.Gly178Arg (NM_001354714.2, NM_001354715.2); short protein forms G178R, G209R.
Identifiers: ClinVar variation 2682467 (VCV002682467.1), dbSNP rs752884233, ClinGen allele CA351891704.
Genomic context (GRCh38, chr3:24,143,614, plus strand): 5'-GGGCTTCGGTGACAGTTTTGATGAGCTCCCATTCCTCGTCTGTGGGCTCTGGCTTGTGCC[C>G]GATGGACTTCTGCAGCTCTTCCCGCCGTCTTTTCTCCCGGTTCTCCTCTATCAGCTTCCT-3'
Protein context (NP_001341641.1, residues 199-219): RRREELQKSI[Gly209Arg]HKPEPTDEEW

ClinVar aggregate classification (germline): Uncertain significance (1 of 4 stars; one submission).

Submission:

Women's Health and Genetics/Laboratory Corporation of America, LabCorp
Classification: Uncertain significance. Last evaluated: 2023-11-02. Review status: criteria provided, single submitter. Criteria: LabCorp Variant Classification Summary - May 2015. Collection method: clinical testing. Allele origin: germline.
Comment: Variant summary: THRB c.625G>C (p.Gly209Arg) results in a non-conservative amino acid change in the encoded protein sequence. Three of five in-silico tools predict a benign effect of the variant on protein function. The variant was absent in 251188 control chromosomes. The available data on variant occurrences in the general population are insufficient to allow any conclusion about variant significance. To our knowledge, no occurrence of c.625G>C in individuals affected with Thyroid Hormone Resistance, Generalized, Autosomal Dominant and no experimental evidence demonstrating its impact on protein function have been reported. No submitters have cited clinical-significance assessments for this variant to ClinVar after 2014. Based on the evidence outlined above, the variant was classified as uncertain significance.